The following is an entry in ClinVar:

NM_007294.4(BRCA1):c.5555C>T (p.Thr1852Ile)

Gene: BRCA1 (BRCA1 DNA repair associated; minus strand). Cytogenetic location: 17q21.31.
Variant type: single nucleotide variant.
Coding change: c.5555C>T on transcript NM_007294.4 (MANE Select); coding-DNA position 5555, C replaced by T.
Protein change: p.Thr1852Ile; replaces threonine 1852 with isoleucine.
Molecular consequence: missense variant. On other transcripts: 3 prime UTR variant (1), non-coding transcript variant (1).
Genome position (GRCh38, 1-based): chr17:43,045,715, G>A on the plus strand (C>T on the coding strand, the complement: BRCA1 is on the minus strand). VCF-style: chr17-43045715-G-A. GRCh37 (hg19) VCF-style: chr17-41197732-G-A.
Other names: p.T1852I:ACC>ATC; c.5549C>T, p.Thr1850Ile (NM_001407635.1, NM_001407627.1, NM_001407628.1 and 13 more transcripts); c.5540C>T, p.Thr1847Ile (NM_001407647.1); c.5498C>T, p.Thr1833Ile (NM_001407648.1); c.5495C>T, p.Thr1832Ile (NM_001407649.1); c.5477C>T, p.Thr1826Ile (NM_001407652.1, NM_001407653.1, NM_001407654.1 and 1 more transcripts); c.5474C>T, p.Thr1825Ile (NM_001407656.1, NM_001407657.1, NM_001407658.1); c.5432C>T, p.Thr1811Ile (NM_001407668.1, NM_001407669.1, NM_001407664.1 and 3 more transcripts); and 75 more; short protein forms T1852I, T1805I, T1873I, T748I, T1556I, T1698I, T1741I, T1762I.
Identifiers: ClinVar variation 182174 (VCV000182174.31), dbSNP rs730881502, ClinGen allele CA003711.

ClinVar aggregate classification (germline): Conflicting classifications of pathogenicity. Review status: criteria provided, conflicting classifications (1 of 4 stars). 6 submissions from 6 submitters: Uncertain significance (5); Likely benign (1). Last evaluated 2025-11-01.

Conditions:
Hereditary cancer-predisposing syndrome. Also called: Tumor predisposition; Neoplastic Syndromes, Hereditary; Hereditary Cancer Syndrome; Hereditary neoplastic syndrome. Identifiers: Orphanet 140162, MedGen C0027672, MeSH D009386, MONDO:0015356.
Hereditary breast ovarian cancer syndrome. Also called: Hereditary breast and ovarian cancer; Hereditary breast and ovarian cancer syndrome (HBOC); Breast and ovarian cancer; Hereditary breast and/or ovarian cancer syndrome; BRCA1- and BRCA2-Associated Hereditary Breast and Ovarian Cancer; Hereditary breast and ovarian cancer syndrome. Identifiers: Orphanet 145, MedGen C0677776, MeSH D061325, MONDO:0003582. Disease mechanism: loss of function.
Breast-ovarian cancer, familial, susceptibility to, 1 (BROVCA1). Also called: OVARIAN CANCER, SUSCEPTIBILITY TO; BRCA1 Hereditary Breast and Ovarian Cancer. Identifiers: Orphanet 145, MedGen C2676676, MONDO:0011450, OMIM 604370. Disease mechanism: loss of function.

Submissions (7):

CeGaT Center for Human Genetics Tuebingen
Classification: Uncertain significance. Last evaluated: 2025-11-01. Review status: criteria provided, single submitter. Criteria: CeGaT Center For Human Genetics Tuebingen Variant Classification Criteria Version 2. Collection method: clinical testing. Allele origin: germline. Affected: yes. Observed: 1 variant allele.
Comment: BRCA1: PM2

Color Diagnostics, LLC DBA Color Health
Classification: Uncertain significance for Hereditary cancer-predisposing syndrome. Last evaluated: 2025-08-22. Review status: criteria provided, single submitter. Criteria: ACMG Guidelines, 2015. Collection method: clinical testing. Allele origin: germline.
Comment: This missense variant replaces threonine with isoleucine at codon 1852 of the BRCA1 protein. Computational prediction suggests that this variant may not impact protein structure and function. A functional study has reported that this variant does not impact BRCA1 in a haploid cell proliferation assay (PMID: 30209399). This variant has been reported in an individual affected with early onset breast cancer (PMID: 17972177). A multifactorial analysis has reached a combined likelihood ratio (LR) of 0.6 based on reported LR for co-occurrence with a pathogenic variant and personal and family history for 1 carrier (PMID: 31853058). This variant has not been identified in the general population by the Genome Aggregation Database (gnomAD). The available evidence is insufficient to determine the role of this variant in disease conclusively. Therefore, this variant is classified as a Variant of Uncertain Significance.

Labcorp Genetics (formerly Invitae), Labcorp
Classification: Uncertain significance for Hereditary breast ovarian cancer syndrome. Last evaluated: 2025-03-19. Review status: criteria provided, single submitter. Criteria: Invitae Variant Classification Sherloc (09022015). Collection method: clinical testing. Allele origin: germline.
Comment: This sequence change replaces threonine, which is neutral and polar, with isoleucine, which is neutral and non-polar, at codon 1852 of the BRCA1 protein (p.Thr1852Ile). This variant is not present in population databases (gnomAD no frequency). This missense change has been observed in individual(s) with breast cancer (PMID: 17972177). ClinVar contains an entry for this variant (Variation ID: 182174). Invitae Evidence Modeling incorporating data from in vitro experimental studies (PMID: 30209399) indicates that this missense variant is not expected to disrupt BRCA1 function with a negative predictive value of 95%. Experimental studies have shown that this missense change does not substantially affect BRCA1 function (PMID: 30209399). In summary, the available evidence is currently insufficient to determine the role of this variant in disease. Therefore, it has been classified as a Variant of Uncertain Significance.

Baylor Genetics
Classification: Uncertain significance for Breast-ovarian cancer, familial, susceptibility to, 1. Last evaluated: 2023-12-20. Review status: criteria provided, single submitter. Criteria: ACMG Guidelines, 2015. Collection method: clinical testing. Allele origin: unknown.

Ambry Genetics
Classification: Likely benign for Hereditary cancer-predisposing syndrome. Last evaluated: 2021-05-20. Review status: criteria provided, single submitter. Criteria: Ambry Variant Classification Scheme 2023. Collection method: clinical testing. Allele origin: germline.

GeneDx
Classification: Uncertain significance. Last evaluated: 2021-02-19. Review status: criteria provided, single submitter. Criteria: GeneDx Variant Classification Process June 2021. Collection method: clinical testing. Allele origin: germline. Affected: yes.
Comment: Not observed in large population cohorts (Lek 2016); In silico analysis supports that this missense variant has a deleterious effect on protein structure/function; Observed in individuals with early-onset breast cancer (Purnomosari 2007); Also known as 5674C>T; This variant is associated with the following publications: (PMID: 30209399, 17972177)

Brotman Baty Institute, University of Washington
No classification provided (evidence only). Condition: Breast-ovarian cancer, familial 1. Review status: no classification provided. Collection method: in vitro. Allele origin: not applicable. Functional consequence: functionally_normal. Not counted in ClinVar's aggregate classification.
ClinVar note: "not provided" was previously submitted as the classification for the variant. However, the classification appeared to be based only on an observation of functional data so it was converted to no classification on 2025-07-30.

Literature cited by the submitters: PubMed 17972177 (cited by 3 submitters); PubMed 30209399 (cited by 3 submitters); PubMed 31853058 (cited by Color Diagnostics, LLC DBA Color Health).